The following is an entry in ClinVar:

ClinVar aggregate classification (germline): Uncertain significance. Review status: criteria provided, multiple submitters, no conflicts (2 of 4 stars). 2 submissions from 2 submitters: Uncertain significance (2). Last evaluated 2024-07-16.

Conditions:
Pitt-Hopkins-like syndrome 2 (PTHSL2). Identifiers: Orphanet 221150, Orphanet 600663, MedGen C3280479, MONDO:0013690, OMIM 614325.

Allele frequency attached by ClinVar (database versions not stated): TOPMed 0.00001; 1000 Genomes Project 0.00020; 1000 Genomes Project 30x 0.00031.
gnomAD v4.1: 10 of 1,608,100 alleles (0.00062%); highest among the groups gnomAD compares: Admixed American, 0.015%; no homozygotes.

Submissions (2):

GeneDx
Classification: Uncertain significance. Last evaluated: 2024-07-16. Review status: criteria provided, single submitter. Criteria: GeneDx Variant Classification Process June 2021. Collection method: clinical testing. Allele origin: germline. Affected: yes.
Comment: In silico analysis supports that this missense variant has a deleterious effect on protein structure/function; Missense variant in a gene in which most reported pathogenic variants are truncating/loss of function; Has not been previously published as pathogenic or benign to our knowledge

Labcorp Genetics (formerly Invitae), Labcorp
Classification: Uncertain significance for Pitt-Hopkins-like syndrome 2. Last evaluated: 2024-02-24. Review status: criteria provided, single submitter. Criteria: Invitae Variant Classification Sherloc (09022015). Collection method: clinical testing. Allele origin: germline.
Comment: This sequence change replaces asparagine, which is neutral and polar, with lysine, which is basic and polar, at codon 190 of the NRXN1 protein (p.Asn190Lys). This variant is present in population databases (rs564945882, gnomAD 0.02%). This variant has not been reported in the literature in individuals affected with NRXN1-related conditions. ClinVar contains an entry for this variant (Variation ID: 206244). An algorithm developed to predict the effect of missense changes on protein structure and function (PolyPhen-2) suggests that this variant is likely to be tolerated. In summary, the available evidence is currently insufficient to determine the role of this variant in disease. Therefore, it has been classified as a Variant of Uncertain Significance.

NM_001330078.2(NRXN1):c.570C>A (p.Asn190Lys)

Gene: NRXN1 (neurexin 1; minus strand). Cytogenetic location: 2p16.3.
Variant type: single nucleotide variant.
Coding change: c.570C>A on transcript NM_001330078.2 (MANE Select); coding-DNA position 570, C replaced by A.
Protein change: p.Asn190Lys; replaces asparagine 190 with lysine.
Molecular consequence: missense variant.
Genome position (GRCh38, 1-based): chr2:51,027,704, G>T on the plus strand (C>A on the coding strand, the complement: NRXN1 is on the minus strand). VCF-style: chr2-51027704-G-T. GRCh37 (hg19) VCF-style: chr2-51254842-G-T.
Other names: p.N190K:AAC>AAA; c.570C>A, p.Asn190Lys (NM_001135659.3, NM_001330077.2, NM_001330079.2 and 15 more transcripts); short protein forms N190K.
Identifiers: ClinVar variation 206244 (VCV000206244.12), dbSNP rs564945882, ClinGen allele CA316135.